The following is an entry in ClinVar:

ClinVar aggregate classification (germline): Uncertain significance (1 of 4 stars; one submission).

Conditions:
Familial sleep-related hypermotor epilepsy. Also called: Autosomal Dominant Sleep-Related Hypermotor (Hyperkinetic) Epilepsy. Identifiers: Orphanet 98784, MedGen C3696898, MONDO:0000030.

Submission:

Labcorp Genetics (formerly Invitae), Labcorp
Classification: Uncertain significance. Last evaluated: 2025-09-27. Review status: criteria provided, single submitter. Criteria: Invitae Variant Classification Sherloc (09022015). Collection method: clinical testing. Allele origin: germline.
Comment: This sequence change replaces serine, which is neutral and polar, with threonine, which is neutral and polar, at codon 306 of the CHRNA2 protein (p.Ser306Thr). This variant is not present in population databases (gnomAD no frequency). This variant has not been reported in the literature in individuals affected with CHRNA2-related conditions. Invitae Evidence Modeling of protein sequence and biophysical properties (such as structural, functional, and spatial information, amino acid conservation, physicochemical variation, residue mobility, and thermodynamic stability) has been performed for this missense variant. However, the output from this modeling did not meet the statistical confidence thresholds required to predict the impact of this variant on CHRNA2 protein function. In summary, the available evidence is currently insufficient to determine the role of this variant in disease. Therefore, it has been classified as a Variant of Uncertain Significance.

NM_000742.4(CHRNA2):c.916T>A (p.Ser306Thr)

Gene: CHRNA2 (cholinergic receptor nicotinic alpha 2 subunit; minus strand). Cytogenetic location: 8p21.2.
Variant type: single nucleotide variant.
Coding change: c.916T>A on transcript NM_000742.4 (MANE Select); coding-DNA position 916, T replaced by A.
Protein change: p.Ser306Thr; replaces serine 306 with threonine.
Molecular consequence: missense variant.
Genome position (GRCh38, 1-based): chr8:27,463,527, A>T on the plus strand (T>A on the coding strand, the complement: CHRNA2 is on the minus strand). VCF-style: chr8-27463527-A-T. GRCh37 (hg19) VCF-style: chr8-27321044-A-T.
Other names: c.871T>A, p.Ser291Thr (NM_001282455.2); c.439T>A, p.Ser147Thr (NM_001347705.2, NM_001347706.2); c.322T>A, p.Ser108Thr (NM_001347707.2, NM_001347708.2); short protein forms S108T, S147T, S306T, S291T.
Identifiers: ClinVar variation 4771040 (VCV004771040.1).